The following is an entry in ClinVar:

NM_000016.6(ACADM):c.109T>C (p.Phe37Leu)

Gene: ACADM (acyl-CoA dehydrogenase medium chain; plus strand). Cytogenetic location: 1p31.1.
Variant type: single nucleotide variant.
Coding change: c.109T>C on transcript NM_000016.6 (MANE Select); coding-DNA position 109, T replaced by C.
Protein change: p.Phe37Leu; replaces phenylalanine 37 with leucine.
Molecular consequence: missense variant. On other transcripts: intron variant (2).
Genome position (GRCh38, 1-based): chr1:75,728,479, T>C. VCF-style: chr1-75728479-T-C. GRCh37 (hg19) VCF-style: chr1-76194164-T-C.
Other names: c.121T>C, p.Phe41Leu (NM_001127328.3); c.109T>C, p.Phe37Leu (NM_001286043.2); c.10+3662T>C (NM_001286042.2); c.-268+3662T>C (NM_001286044.2); short protein forms F37L, F41L.
Identifiers: ClinVar variation 3695598 (VCV003695598.2).

ClinVar aggregate classification (germline): Uncertain significance (1 of 4 stars; one submission).

Conditions:
Medium-chain acyl-coenzyme A dehydrogenase deficiency (ACADMD). Also called: CARNITINE DEFICIENCY SECONDARY TO MEDIUM-CHAIN ACYL-CoA DEHYDROGENASE DEFICIENCY; MCADH DEFICIENCY; ACADM DEFICIENCY; MCADD; MCAD Deficiency; Medium chain acyl-CoA dehydrogenase deficiency. Identifiers: Orphanet 42, MedGen C0220710, MONDO:0008721, OMIM 201450.

Submission:

Labcorp Genetics (formerly Invitae), Labcorp
Classification: Uncertain significance for Medium-chain acyl-coenzyme A dehydrogenase deficiency. Last evaluated: 2025-01-08. Review status: criteria provided, single submitter. Criteria: Invitae Variant Classification Sherloc (09022015). Collection method: clinical testing. Allele origin: germline.
Comment: This sequence change replaces phenylalanine, which is neutral and non-polar, with leucine, which is neutral and non-polar, at codon 37 of the ACADM protein (p.Phe37Leu). This variant is not present in population databases (gnomAD no frequency). This missense change has been observed in individual(s) with ACADM-related conditions (internal data). Invitae Evidence Modeling of protein sequence and biophysical properties (such as structural, functional, and spatial information, amino acid conservation, physicochemical variation, residue mobility, and thermodynamic stability) indicates that this missense variant is expected to disrupt ACADM protein function with a positive predictive value of 95%. In summary, the available evidence is currently insufficient to determine the role of this variant in disease. Therefore, it has been classified as a Variant of Uncertain Significance.